The following is an entry in ClinVar:

NC_000003.11:g.(?_123401058)_(123401181_?)dup

Gene: MYLK (myosin light chain kinase; minus strand). Cytogenetic location: 3q21.1.
Variant type: Duplication.
Identifiers: ClinVar variation 2427160 (VCV002427160.4).

ClinVar aggregate classification (germline): Uncertain significance (1 of 4 stars; one submission).

Conditions:
Aortic aneurysm, familial thoracic 7 (AAT7). Also called: AORTIC DISSECTION, FAMILIAL, WITH OR WITHOUT AORTIC ANEURYSM. Identifiers: MedGen C3151077, MONDO:0013418, OMIM 613780.

Submission:

Labcorp Genetics (formerly Invitae), Labcorp
Classification: Uncertain significance for Aortic aneurysm, familial thoracic 7. Last evaluated: 2024-01-02. Review status: criteria provided, single submitter. Criteria: Invitae Variant Classification Sherloc (09022015). Collection method: clinical testing. Allele origin: germline.
Comment: This variant is a complex event involving exon(s) 20 of the MYLK gene. Although the exact nature of the event is unknown, it likely involves a duplication which is inverted and inserted into intron 19. The effect of this complex variant on protein product is not clear. This variant has been observed in individual(s) with clinical features of thoracic aortic aneurysm and/or dissection (Invitae). Experimental studies and prediction algorithms are not available or were not evaluated, and the functional significance of this variant is currently unknown. In summary, the available evidence is currently insufficient to determine the role of this variant in disease. Therefore, it has been classified as a Variant of Uncertain Significance.